The following is an entry in ClinVar:

ClinVar aggregate classification (germline): Uncertain significance (1 of 4 stars; one submission).

Allele frequency attached by ClinVar (database versions not stated): gnomAD exomes below 0.00001.
gnomAD v4.1: 2 of 1,614,170 alleles (0.00012%); highest among the groups gnomAD compares: Non-Finnish European, 0.00017%; no homozygotes.

Submission:

Labcorp Genetics (formerly Invitae), Labcorp
Classification: Uncertain significance. Last evaluated: 2023-12-26. Review status: criteria provided, single submitter. Criteria: Invitae Variant Classification Sherloc (09022015). Collection method: clinical testing. Allele origin: germline.
Comment: This sequence change replaces serine, which is neutral and polar, with glycine, which is neutral and non-polar, at codon 820 of the IL6ST protein (p.Ser820Gly). This variant is not present in population databases (gnomAD no frequency). This variant has not been reported in the literature in individuals affected with IL6ST-related conditions. Algorithms developed to predict the effect of missense changes on protein structure and function output the following: SIFT: "Not Available"; PolyPhen-2: "Benign"; Align-GVGD: "Not Available". The glycine amino acid residue is found in multiple mammalian species, which suggests that this missense change does not adversely affect protein function. In summary, the available evidence is currently insufficient to determine the role of this variant in disease. Therefore, it has been classified as a Variant of Uncertain Significance.

NM_002184.4(IL6ST):c.2458A>G (p.Ser820Gly)

Gene: IL6ST (interleukin 6 cytokine family signal transducer; minus strand). Cytogenetic location: 5q11.2.
Variant type: single nucleotide variant.
Coding change: c.2458A>G on transcript NM_002184.4 (MANE Select); coding-DNA position 2458, A replaced by G.
Protein change: p.Ser820Gly; replaces serine 820 with glycine.
Molecular consequence: missense variant. On other transcripts: 3 prime UTR variant (1), non-coding transcript variant (2).
Genome position (GRCh38, 1-based): chr5:55,941,381, T>C on the plus strand (A>G on the coding strand, the complement: IL6ST is on the minus strand). VCF-style: chr5-55941381-T-C. GRCh37 (hg19) VCF-style: chr5-55237209-T-C.
Other names: c.2275A>G, p.Ser759Gly (NM_001190981.2); c.2356A>G, p.Ser786Gly (NM_001364275.2); c.2248A>G, p.Ser750Gly (NM_001364276.2); c.1591A>G, p.Ser531Gly (NM_001364277.2); c.1555A>G, p.Ser519Gly (NM_001364278.2); c.1462A>G, p.Ser488Gly (NM_001364279.2); c.*1385A>G (NM_175767.3); short protein forms S519G, S531G, S786G, S750G, S759G, S488G, S820G.
Identifiers: ClinVar variation 2995466 (VCV002995466.3), dbSNP rs2533427675, ClinGen allele CA359778196.
Genomic context (GRCh38, chr5:55,941,381, plus strand): 5'-CTGATGAAACTTGCTTTGACCTTTCAAAATGTGAAATATCTGGACTGGATTCATGCTGAC[T>C]GCAGTTCTGTTTGAAGTACTGTTGCCTGGGCAAAATACCATCACCGCCATCTACATGATC-3'
Protein context (NP_002175.2, residues 810-830): PRQQYFKQNC[Ser820Gly]QHESSPDISH